The following is an entry in ClinVar:

ClinVar aggregate classification (germline): Conflicting classifications of pathogenicity. Review status: criteria provided, conflicting classifications (1 of 4 stars). 2 submissions from 2 submitters: Uncertain significance (1); Likely benign (1). Last evaluated 2025-03-04.

Conditions:
Hereditary breast ovarian cancer syndrome. Also called: Hereditary breast and ovarian cancer syndrome (HBOC); Breast and ovarian cancer; Hereditary breast and ovarian cancer; Hereditary breast and ovarian cancer syndrome; BRCA1- and BRCA2-Associated Hereditary Breast and Ovarian Cancer; Hereditary breast and/or ovarian cancer syndrome. Identifiers: Orphanet 145, MedGen C0677776, MeSH D061325, MONDO:0003582. Disease mechanism: loss of function.

Submissions (2):

Center for Genomic Medicine, Rigshospitalet, Copenhagen University Hospital
Classification: Likely benign. Last evaluated: 2025-03-04. Review status: criteria provided, single submitter. Criteria: ACMG Guidelines, 2015. Collection method: clinical testing. Allele origin: germline.

Labcorp Genetics (formerly Invitae), Labcorp
Classification: Uncertain significance for Hereditary breast ovarian cancer syndrome. Last evaluated: 2024-02-25. Review status: criteria provided, single submitter. Criteria: Invitae Variant Classification Sherloc (09022015). Collection method: clinical testing. Allele origin: germline.
Comment: This sequence change replaces leucine, which is neutral and non-polar, with valine, which is neutral and non-polar, at codon 1598 of the BRCA2 protein (p.Leu1598Val). This variant is not present in population databases (gnomAD no frequency). This variant has not been reported in the literature in individuals affected with BRCA2-related conditions. Advanced modeling of protein sequence and biophysical properties (such as structural, functional, and spatial information, amino acid conservation, physicochemical variation, residue mobility, and thermodynamic stability) performed at Invitae indicates that this missense variant is not expected to disrupt BRCA2 protein function with a negative predictive value of 95%. In summary, the available evidence is currently insufficient to determine the role of this variant in disease. Therefore, it has been classified as a Variant of Uncertain Significance.

NM_000059.4(BRCA2):c.4792C>G (p.Leu1598Val)

Gene: BRCA2 (BRCA2 DNA repair associated; plus strand). Cytogenetic location: 13q13.1.
Variant type: single nucleotide variant.
Coding change: c.4792C>G on transcript NM_000059.4 (MANE Select); coding-DNA position 4792, C replaced by G.
Protein change: p.Leu1598Val; replaces leucine 1598 with valine.
Molecular consequence: missense variant. On other transcripts: non-coding transcript variant (1), intron variant (2).
Genome position (GRCh38, 1-based): chr13:32,339,147, C>G. VCF-style: chr13-32339147-C-G. GRCh37 (hg19) VCF-style: chr13-32913284-C-G.
Other names: c.4792C>G, p.Leu1598Val (NM_001406719.1, NM_001406720.1); c.1910-5411C>G (NM_001406721.1); c.425-5411C>G (NM_001406722.1); short protein forms L1598V.
Identifiers: ClinVar variation 2692056 (VCV002692056.4), dbSNP rs2137510258, ClinGen allele CA387783239.